The following is an entry in ClinVar:

NM_005720.4(ARPC1B):c.1058G>C (p.Gly353Ala)

Gene: ARPC1B (actin related protein 2/3 complex subunit 1B; plus strand). Cytogenetic location: 7q22.1.
Variant type: single nucleotide variant.
Coding change: c.1058G>C on transcript NM_005720.4 (MANE Select); coding-DNA position 1058, G replaced by C.
Protein change: p.Gly353Ala; replaces glycine 353 with alanine.
Molecular consequence: missense variant.
Genome position (GRCh38, 1-based): chr7:99,394,097, G>C. VCF-style: chr7-99394097-G-C. GRCh37 (hg19) VCF-style: chr7-98991720-G-C.
Other names: short protein forms G353A.
Identifiers: ClinVar variation 2114378 (VCV002114378.4), dbSNP rs888249172, ClinGen allele CA163115445.

ClinVar aggregate classification (germline): Uncertain significance (1 of 4 stars; one submission).

Submission:

Labcorp Genetics (formerly Invitae), Labcorp
Classification: Uncertain significance. Last evaluated: 2022-03-19. Review status: criteria provided, single submitter. Criteria: Invitae Variant Classification Sherloc (09022015). Collection method: clinical testing. Allele origin: germline.
Comment: In summary, the available evidence is currently insufficient to determine the role of this variant in disease. Therefore, it has been classified as a Variant of Uncertain Significance. Algorithms developed to predict the effect of missense changes on protein structure and function are either unavailable or do not agree on the potential impact of this missense change (SIFT: "Tolerated"; PolyPhen-2: "Probably Damaging"; Align-GVGD: "Class C0"). This variant has not been reported in the literature in individuals affected with ARPC1B-related conditions. This variant is not present in population databases (gnomAD no frequency). This sequence change replaces glycine, which is neutral and non-polar, with alanine, which is neutral and non-polar, at codon 353 of the ARPC1B protein (p.Gly353Ala).